The following is an entry in ClinVar:

NM_002336.3(LRP6):c.4622A>G (p.Tyr1541Cys)

Gene: LRP6 (LDL receptor related protein 6; minus strand). Cytogenetic location: 12p13.2.
Variant type: single nucleotide variant.
Coding change: c.4622A>G on transcript NM_002336.3 (MANE Select); coding-DNA position 4622, A replaced by G.
Protein change: p.Tyr1541Cys; replaces tyrosine 1541 with cysteine.
Molecular consequence: missense variant. On other transcripts: 3 prime UTR variant (1), non-coding transcript variant (1).
Genome position (GRCh38, 1-based): chr12:12,121,346, T>C on the plus strand (A>G on the coding strand, the complement: LRP6 is on the minus strand). VCF-style: chr12-12121346-T-C. GRCh37 (hg19) VCF-style: chr12-12274280-T-C.
Other names: c.4715A>G, p.Tyr1572Cys (NM_001414244.1); c.4622A>G, p.Tyr1541Cys (NM_001414245.1); c.4487A>G, p.Tyr1496Cys (NM_001414246.1); c.4424A>G, p.Tyr1475Cys (NM_001414247.1); c.*98A>G (NM_001414248.1); c.4259A>G, p.Tyr1420Cys (NM_001414251.1); c.4169A>G, p.Tyr1390Cys (NM_001414252.1, NM_001414253.1, NM_001414254.1); c.4115A>G, p.Tyr1372Cys (NM_001414255.1); short protein forms Y1372C, Y1390C, Y1420C, Y1475C, Y1496C, Y1541C, Y1572C.
Identifiers: ClinVar variation 3628104 (VCV003628104.2).
Genomic context (GRCh38, chr12:12,121,346, plus strand): 5'-TTCAAGTCACTGGTATAGCCCTTGGCTGTTGCCACTGAGGTCATTCTCCGACTAGGAGCA[T>C]AGTCACTGTCACAAACATCTGTGCTGCAGGGTGTGGTGGGGGGTGCAAAGTGCCGGTAGC-3'
Protein context (NP_002327.2, residues 1531-1551): PCSTDVCDSD[Tyr1541Cys]APSRRMTSVA

ClinVar aggregate classification (germline): Uncertain significance (1 of 4 stars; one submission).

gnomAD v4.1: 21 of 1,613,994 alleles (0.0013%); highest among the groups gnomAD compares: East Asian, 0.013%; no homozygotes.

Submission:

Labcorp Genetics (formerly Invitae), Labcorp
Classification: Uncertain significance. Last evaluated: 2026-01-03. Review status: criteria provided, single submitter. Criteria: Invitae Variant Classification Sherloc (09022015). Collection method: clinical testing. Allele origin: germline.
Comment: This sequence change replaces tyrosine, which is neutral and polar, with cysteine, which is neutral and slightly polar, at codon 1541 of the LRP6 protein (p.Tyr1541Cys). This variant is present in population databases (rs764470555, gnomAD 0.02%). This variant has not been reported in the literature in individuals affected with LRP6-related conditions. ClinVar contains an entry for this variant (Variation ID: 3628104). An algorithm developed to predict the effect of missense changes on protein structure and function (PolyPhen-2) suggests that this variant is likely to be tolerated. Experimental studies have shown that this missense change does not substantially affect LRP6 function (PMID: 24203697). In summary, the available evidence is currently insufficient to determine the role of this variant in disease. Therefore, it has been classified as a Variant of Uncertain Significance.

Literature cited by the submitters: PubMed 24203697.